The following is an entry in ClinVar:

ClinVar aggregate classification (germline): Pathogenic (1 of 4 stars; one submission).

Submission:

GeneDx
Classification: Pathogenic. Last evaluated: 2015-12-18. Review status: criteria provided, single submitter. Criteria: GeneDx Variant Classification (06012015). Collection method: clinical testing. Allele origin: germline. Affected: yes.
Comment: The c.188-1 G>A splice site variant in the IKBKG gene destroys the canonical splice acceptor site in intron 2. It is predicted to cause abnormal gene splicing, either leading to an abnormal message that is subject to nonsense-mediated mRNA decay, or to an abnormal protein product if the message is used for protein translation. Although this pathogenic variant has not been previously reported to our knowledge

NM_001099857.5(IKBKG):c.188-1G>A

Gene: IKBKG (inhibitor of nuclear factor kappa B kinase regulatory subunit gamma; plus strand). Cytogenetic location: Xq28.
Variant type: single nucleotide variant.
Coding change: c.188-1G>A on transcript NM_001099857.5 (MANE Select); the canonical splice acceptor site of the intron before coding-DNA position 188, G replaced by A.
Molecular consequence: splice acceptor variant.
Genome position (GRCh38, 1-based): chrX:154,556,164, G>A. VCF-style: chrX-154556164-G-A. GRCh37 (hg19) VCF-style: chrX-153784379-G-A.
Other names: c.188-1G>A (NM_001377312.1, NM_001377313.1, NM_001321396.3 and 5 more transcripts); c.392-1G>A (NM_001099856.6).
Identifiers: ClinVar variation 449621 (VCV000449621.2), dbSNP rs1557236015, ClinGen allele CA415209057.
Genomic context (GRCh38, chrX:154,556,164, plus strand): 5'-CCAGGCAGGGCCCGGCAGGCCGGGCTGCCCAGCTCCCCTCCACTGTCCCCTCTGCCACCA[G>A]ATGCCATCCGGCAGAGCAACCAGATTCTGCGGGAGCGCTGCGAGGAGCTTCTGCATTTCC-3'